The following is an entry in ClinVar:

NM_002485.5(NBN):c.2048A>G (p.Lys683Arg)

Gene: NBN (nibrin; minus strand). Cytogenetic location: 8q21.3.
Variant type: single nucleotide variant.
Coding change: c.2048A>G on transcript NM_002485.5 (MANE Select); coding-DNA position 2048, A replaced by G.
Protein change: p.Lys683Arg; replaces lysine 683 with arginine.
Molecular consequence: missense variant.
Genome position (GRCh38, 1-based): chr8:89,946,162, T>C on the plus strand (A>G on the coding strand, the complement: NBN is on the minus strand). VCF-style: chr8-89946162-T-C. GRCh37 (hg19) VCF-style: chr8-90958390-T-C.
Other names: c.1802A>G, p.Lys601Arg (NM_001024688.3); short protein forms K601R, K683R.
Identifiers: ClinVar variation 1482433 (VCV001482433.8), dbSNP rs2130763713, ClinGen allele CA371676365.

ClinVar aggregate classification (germline): Uncertain significance (1 of 4 stars; one submission).

Conditions:
Microcephaly, normal intelligence and immunodeficiency (NBS). Also called: Nijmegen breakage syndrome; Microcephaly with normal intelligence immunodeficiency and lymphoreticular malignancies; Nonsyndromal microcephaly autosomal recessive with normal intelligence; Seemanova syndrome 2; IMMUNODEFICIENCY, MICROCEPHALY, AND CHROMOSOMAL INSTABILITY; SEEMANOVA SYNDROME II. Identifiers: Orphanet 647, MedGen C0398791, MONDO:0009623, OMIM 251260.

Submission:

Labcorp Genetics (formerly Invitae), Labcorp
Classification: Uncertain significance for Microcephaly, normal intelligence and immunodeficiency. Last evaluated: 2021-06-19. Review status: criteria provided, single submitter. Criteria: Invitae Variant Classification Sherloc (09022015). Collection method: clinical testing. Allele origin: germline.
Comment: In summary, the available evidence is currently insufficient to determine the role of this variant in disease. Therefore, it has been classified as a Variant of Uncertain Significance. Experimental studies have shown that this variant does not substantially affect NBN protein function (PMID: 30952868). This variant has not been reported in the literature in individuals with NBN-related conditions. This variant is not present in population databases (ExAC no frequency). This sequence change replaces lysine with arginine at codon 683 of the NBN protein (p.Lys683Arg). The lysine residue is moderately conserved and there is a small physicochemical difference between lysine and arginine.

Literature cited by the submitters: PubMed 30952868.